The following is an entry in ClinVar:

NM_005228.5(EGFR):c.2492G>A (p.Arg831His)

Gene: EGFR (epidermal growth factor receptor; plus strand). Cytogenetic location: 7p11.2.
Variant type: single nucleotide variant.
Coding change: c.2492G>A on transcript NM_005228.5 (MANE Select); coding-DNA position 2492, G replaced by A.
Protein change: p.Arg831His; replaces arginine 831 with histidine.
Molecular consequence: missense variant.
Genome position (GRCh38, 1-based): chr7:55,191,741, G>A. VCF-style: chr7-55191741-G-A. GRCh37 (hg19) VCF-style: chr7-55259434-G-A.
Other names: c.2357G>A, p.Arg786His (NM_001346897.2, NM_001346899.2); c.2492G>A, p.Arg831His (NM_001346898.2); c.2333G>A, p.Arg778His (NM_001346900.2); c.1691G>A, p.Arg564His (NM_001346941.2); short protein forms R831H, R778H, R786H, R564H.
Identifiers: ClinVar variation 560007 (VCV000560007.14), dbSNP rs150036236, ClinGen allele CA4266102.
Genomic context (GRCh38, chr7:55,191,741, plus strand): 5'-ATGATCTGTCCCTCACAGCAGGGTCTTCTCTGTTTCAGGGCATGAACTACTTGGAGGACC[G>A]TCGCTTGGTGCACCGCGACCTGGCAGCCAGGAACGTACTGGTGAAAACACCGCAGCATGT-3'
Protein context (NP_005219.2, residues 821-841): IAKGMNYLED[Arg831His]RLVHRDLAAR

ClinVar aggregate classification (germline): Conflicting classifications of pathogenicity. Review status: criteria provided, conflicting classifications (1 of 4 stars). 8 submissions from 7 submitters: Pathogenic (2); Uncertain significance (5); Likely benign (1). Last evaluated 2026-07-21.

Conditions:
Squamous cell lung carcinoma. Also called: Lung cancer, squamous cell, somatic; Squamous cell carcinoma of lung. Identifiers: MedGen C0149782, MONDO:0005097, HP:0030359.
Lung adenocarcinoma. Also called: Adenocarcinoma of lung, somatic; Adenocarcinoma of lung. Identifiers: MedGen C0152013, MeSH D000077192, MONDO:0005061, HP:0030078.
EGFR-related lung cancer (EGFR). Identifiers: MedGen CN130014.
EGFR-related disorder. Also called: EGFR-related condition.
Hereditary cancer-predisposing syndrome. Also called: Neoplastic Syndromes, Hereditary; Tumor predisposition; Hereditary Cancer Syndrome; Hereditary neoplastic syndrome. Identifiers: Orphanet 140162, MedGen C0027672, MeSH D009386, MONDO:0015356.

Allele frequency attached by ClinVar (database versions not stated): gnomAD exomes 0.00002 and 0.00005; gnomAD 0.00003; TOPMed 0.00004; ExAC 0.00006; ESP Exome Variant Server 0.00015.
gnomAD v4.1: 38 of 1,613,834 alleles (0.0024%); highest among the groups gnomAD compares: Middle Eastern, 0.016%; no homozygotes.

Submissions (8):

PreventionGenetics, part of Exact Sciences
Classification: Uncertain significance for EGFR-related condition. Last evaluated: 2026-07-21. Review status: criteria provided, single submitter. Criteria: ACMG Guidelines, 2015. Collection method: clinical testing. Allele origin: germline.
Comment: The EGFR c.2492G>A variant is predicted to result in the amino acid substitution p.Arg831His. This variant has been reported in individuals with lung cancer (Lu et al. 2019. PubMed ID: 30610926; Cai et al. 2026. PubMed ID: 41788992; Lin et al. 2021. PubMed ID: 34869019; Tian et al. 2019. PubMed ID: 31721094), prostate cancer (Qian et al. 2020. PubMed ID: 32978518), acute myeloid leukemia (Supplementary Table 3s, Yang et al. 2022. PubMed ID: 34482403), and Kallmann syndrome (Table S6, Zhou et al. 2018. PubMed ID: 30098700). Functional studies demonstrate conflicting results regarding its effect on phosphorylation and kinase activity (Foster et al. 2010. PubMed ID: 20942962; McSkimming et al. 2015. PubMed ID: 25382819; Niu et al. 2016. PubMed ID: 27294619; Qian et al. 2020. PubMed ID: 32978518). This variant is reported in 0.023% of alleles in individuals of South Asian descent in gnomAD and has conflicting classifications in ClinVar ranging from likely benign to pathogenic (Variation ID: 560007). At this time, the clinical significance of this variant is uncertain due to the absence of conclusive functional and genetic evidence.

Quest Diagnostics Nichols Institute San Juan Capistrano
Classification: Uncertain significance. Last evaluated: 2025-03-30. Review status: criteria provided, single submitter. Criteria: Quest Diagnostics criteria. Collection method: clinical testing. Allele origin: unknown.
Comment: The EGFR c.2492G>A (p.Arg831His) variant has been reported in the published literature in individuals affected with cancer of the prostate (PMID: 32978518 (2020)) and lung (PMIDs: 31721094 (2020), 30610926 (2019)), as well as congenital hypogonadotropic hypogonadism (PMIDs: 32171629 (2020), 30098700 (2018)). The frequency of this variant in the general population (Genome Aggregation Database) is higher than would generally be expected for pathogenic variants in this gene. Analysis of this variant using bioinformatics tools for the prediction of the effect of amino acid changes on protein structure and function yielded conflicting predictions that this variant is deleterious or benign. Based on the available information, we are unable to determine the clinical significance of this variant.

Labcorp Genetics (formerly Invitae), Labcorp
Classification: Uncertain significance for EGFR-related lung cancer. Last evaluated: 2025-01-12. Review status: criteria provided, single submitter. Criteria: Invitae Variant Classification Sherloc (09022015). Collection method: clinical testing. Allele origin: germline.
Comment: This sequence change replaces arginine, which is basic and polar, with histidine, which is basic and polar, at codon 831 of the EGFR protein (p.Arg831His). This variant is present in population databases (rs150036236, gnomAD 0.02%). This missense change has been observed in individual(s) with lung cancer or prostate cancer or isolated hypogonadotropic hypogonadism (PMID: 30098700, 30610926, 31721094, 32978518). ClinVar contains an entry for this variant (Variation ID: 560007). An algorithm developed to predict the effect of missense changes on protein structure and function (PolyPhen-2) suggests that this variant is likely to be disruptive. Experimental studies are conflicting or provide insufficient evidence to determine the effect of this variant on EGFR function (PMID: 20942962, 25382819, 27294619, 32978518). In summary, the available evidence is currently insufficient to determine the role of this variant in disease. Therefore, it has been classified as a Variant of Uncertain Significance.

Ambry Genetics
Classification: Likely benign for Hereditary cancer-predisposing syndrome. Last evaluated: 2024-08-23. Review status: criteria provided, single submitter. Criteria: Ambry Variant Classification Scheme 2023. Collection method: clinical testing. Allele origin: germline.

Sema4
Classification: Uncertain significance for Hereditary cancer-predisposing syndrome. Last evaluated: 2022-02-18. Review status: criteria provided, single submitter. Criteria: Sema4 Curation Guidelines. Collection method: curation. Allele origin: germline.
Comment: The EGFR c.2492G>A (p.R831H) variant has been reported in heterozygosity in individuals with lung adenocarcinoma, prostate cancer and in individuals with isolated hypogonadotropic hypogonadism (PMID: 30610926, 30098700, 32171629, 32978518). This variant was observed in 7/30614 chromosomes in the South Asian population according to the Genome Aggregation Database (PMID: 32461654). This variant has been reported in ClinVar (Variation ID: 560007). One study showed no significant change in C-terminal tail and Stat3 phosphorylation compared to wild type (PMID: 25382819) and another study showed the variant might enhance the EGFR and AKT expression (PMID: 32978515). In silico predictions of the variant's effect on protein function are inconclusive. The evidence is insufficient to meet ACMG/AMP criteria for classifying the variant as benign or pathogenic. Thus, the clinical significance of this variant is currently uncertain.

Genetic Services Laboratory, University of Chicago
Classification: Uncertain significance. Last evaluated: 2021-07-06. Review status: criteria provided, single submitter. Criteria: ACMG Guidelines, 2015. Collection method: clinical testing. Allele origin: germline. Affected: no.

3DMed Clinical Laboratory Inc
Classification: Pathogenic for Squamous cell lung carcinoma. Last evaluated: 2017-09-06. Review status: criteria provided, single submitter. Criteria: ACMG Guidelines, 2015. Collection method: clinical testing. Allele origin: germline. Affected: yes. Observed: 1 variant allele.

3DMed Clinical Laboratory Inc
Classification: Pathogenic for Lung adenocarcinoma. Last evaluated: 2017-09-06. Review status: criteria provided, single submitter. Criteria: ACMG Guidelines, 2015. Collection method: clinical testing. Allele origin: germline. Affected: yes. Observed: 2 variant alleles.

Literature cited by the submitters: PubMed 32978518 (cited by 3 submitters); PubMed 32171629 (cited by Quest Diagnostics Nichols Institute San Juan Capistrano and Sema4); PubMed 27294619 (cited by Quest Diagnostics Nichols Institute San Juan Capistrano and Labcorp Genetics (formerly Invitae), Labcorp); PubMed 30098700 (cited by 3 submitters); PubMed 30610926 (cited by 3 submitters); PubMed 31721094 (cited by Quest Diagnostics Nichols Institute San Juan Capistrano and Labcorp Genetics (formerly Invitae), Labcorp); PubMed 20942962 (cited by Labcorp Genetics (formerly Invitae), Labcorp and 3DMed Clinical Laboratory Inc); PubMed 25382819 (cited by Labcorp Genetics (formerly Invitae), Labcorp and Sema4); PubMed 32978515 (cited by Sema4); PubMed 1111234672 (cited by 3DMed Clinical Laboratory Inc).